The following is an entry in ClinVar:

NM_015330.6(SPECC1L):c.2560+7A>G

Genes: SPECC1L (sperm antigen with calponin homology and coiled-coil domains 1 like; plus strand), SPECC1L-ADORA2A (SPECC1L-ADORA2A readthrough (NMD candidate); plus strand). Cytogenetic location: 22q11.23.
Variant type: single nucleotide variant.
Coding change: c.2560+7A>G on transcript NM_015330.6 (MANE Select); 7 bases into the intron after coding-DNA position 2560, A replaced by G.
Molecular consequence: intron variant.
Genome position (GRCh38, 1-based): chr22:24,334,580, A>G. VCF-style: chr22-24334580-A-G. GRCh37 (hg19) VCF-style: chr22-24730548-A-G.
Other names: c.2560+7A>G (NM_001145468.4, NM_001254732.3).
Identifiers: ClinVar variation 734949 (VCV000734949.12), dbSNP rs114715226, ClinGen allele CA10152337.

ClinVar aggregate classification (germline): Benign/Likely benign. Review status: criteria provided, multiple submitters, no conflicts (2 of 4 stars). 3 submissions from 3 submitters: Benign (1); Likely benign (2). Last evaluated 2026-07-01.

Allele frequency attached by ClinVar (database versions not stated): gnomAD exomes 0.00038 and 0.00094; ExAC 0.00108; 1000 Genomes Project 0.00300; 1000 Genomes Project 30x 0.00328; gnomAD 0.00435 and 0.00478; TOPMed 0.00481; ESP Exome Variant Server 0.00484.
gnomAD v4.1: 1,243 of 1,614,070 alleles (0.077%); highest among the groups gnomAD compares: African/African-American, 1.5%; 4 homozygotes.

Submissions (3):

CeGaT Center for Human Genetics Tuebingen
Classification: Likely benign. Last evaluated: 2026-07-01. Review status: criteria provided, single submitter. Criteria: CeGaT Center For Human Genetics Tuebingen Variant Classification Criteria Version 2. Collection method: clinical testing. Allele origin: germline. Affected: yes. Observed: 1 variant allele.
Comment: SPECC1L: BP4, BS1

Labcorp Genetics (formerly Invitae), Labcorp
Classification: Benign. Last evaluated: 2026-01-19. Review status: criteria provided, single submitter. Criteria: Invitae Variant Classification Sherloc (09022015). Collection method: clinical testing. Allele origin: germline.

Blueprint Genetics
Classification: Likely benign. Last evaluated: 2024-10-31. Review status: criteria provided, single submitter. Criteria: ACMG Guidelines, 2015. Collection method: clinical testing. Allele origin: germline.